The following is an entry in ClinVar:

ClinVar aggregate classification (germline): Uncertain significance. Review status: criteria provided, multiple submitters, no conflicts (2 of 4 stars). 2 submissions from 2 submitters: Uncertain significance (2). Last evaluated 2024-04-19.

Conditions:
Hereditary cancer-predisposing syndrome. Also called: Neoplastic Syndromes, Hereditary; Tumor predisposition; Hereditary neoplastic syndrome; Hereditary Cancer Syndrome. Identifiers: Orphanet 140162, MedGen C0027672, MeSH D009386, MONDO:0015356.
Hereditary diffuse gastric adenocarcinoma (HDGC). Also called: DIFFUSE GASTRIC AND LOBULAR BREAST CANCER SYNDROME. Identifiers: Orphanet 26106, MedGen C1708349, MONDO:0007648, OMIM 137215.

Submissions (2):

Ambry Genetics
Classification: Uncertain significance for Hereditary cancer-predisposing syndrome. Last evaluated: 2024-04-19. Review status: criteria provided, single submitter. Criteria: Ambry Variant Classification Scheme 2023. Collection method: clinical testing. Allele origin: germline.
Comment: The p.N622D variant (also known as c.1864A>G), located in coding exon 12 of the CDH1 gene, results from an A to G substitution at nucleotide position 1864. The asparagine at codon 622 is replaced by aspartic acid, an amino acid with highly similar properties. This amino acid position is well conserved in available vertebrate species. In addition, this alteration is predicted to be tolerated by in silico analysis. Based on the available evidence, the clinical significance of this variant remains unclear.

Labcorp Genetics (formerly Invitae), Labcorp
Classification: Uncertain significance for Hereditary diffuse gastric adenocarcinoma. Last evaluated: 2023-01-16. Review status: criteria provided, single submitter. Criteria: Invitae Variant Classification Sherloc (09022015). Collection method: clinical testing. Allele origin: germline.
Comment: This sequence change replaces asparagine, which is neutral and polar, with aspartic acid, which is acidic and polar, at codon 622 of the CDH1 protein (p.Asn622Asp). This variant is not present in population databases (gnomAD no frequency). This variant has not been reported in the literature in individuals affected with CDH1-related conditions. Algorithms developed to predict the effect of missense changes on protein structure and function are either unavailable or do not agree on the potential impact of this missense change (SIFT: "Tolerated"; PolyPhen-2: "Probably Damaging"; Align-GVGD: "Class C0"). In summary, the available evidence is currently insufficient to determine the role of this variant in disease. Therefore, it has been classified as a Variant of Uncertain Significance.

NM_004360.5(CDH1):c.1864A>G (p.Asn622Asp)

Gene: CDH1 (cadherin 1; plus strand). Cytogenetic location: 16q22.1.
Variant type: single nucleotide variant.
Coding change: c.1864A>G on transcript NM_004360.5 (MANE Select); coding-DNA position 1864, A replaced by G.
Protein change: p.Asn622Asp; replaces asparagine 622 with aspartic acid.
Molecular consequence: missense variant. On other transcripts: 5 prime UTR variant (1).
Genome position (GRCh38, 1-based): chr16:68,822,153, A>G. VCF-style: chr16-68822153-A-G. GRCh37 (hg19) VCF-style: chr16-68856056-A-G.
Other names: c.1681A>G, p.Asn561Asp (NM_001317184.2); c.316A>G, p.Asn106Asp (NM_001317185.2); c.-102A>G (NM_001317186.2); short protein forms N106D, N561D, N622D.
Identifiers: ClinVar variation 2915497 (VCV002915497.4), dbSNP rs367849039, ClinGen allele CA396467055.
Genomic context (GRCh38, chr16:68,822,153, plus strand): 5'-TTCTGTGAGAGGAATCCAAAGCCTCAGGTCATAAACATCATTGATGCAGACCTTCCTCCC[A>G]ATACATCTCCCTTCACAGCAGAACTAACACACGGGGCGAGTGCCAACTGGACCATTCAGT-3'
Protein context (NP_004351.1, residues 612-632): INIIDADLPP[Asn622Asp]TSPFTAELTH